The following is an entry in ClinVar:

NM_144997.7(FLCN):c.779+1G>T

Gene: FLCN (folliculin; minus strand). Cytogenetic location: 17p11.2.
Variant type: single nucleotide variant.
Coding change: c.779+1G>T on transcript NM_144997.7 (MANE Select); the canonical splice donor site of the intron after coding-DNA position 779, G replaced by T.
Molecular consequence: splice donor variant.
Genome position (GRCh38, 1-based): chr17:17,222,500, C>A on the plus strand (G>T on the coding strand, the complement: FLCN is on the minus strand). VCF-style: chr17-17222500-C-A. GRCh37 (hg19) VCF-style: chr17-17125814-C-A.
Other names: c.779+1G>T (NM_001353231.2, NM_001353230.2, NM_144606.7 and 1 more transcripts); c.833+1G>T (NM_001353229.2).
Identifiers: ClinVar variation 231274 (VCV000231274.31), dbSNP rs758175953, ClinGen allele CA8416321.
Genomic context (GRCh38, chr17:17,222,500, plus strand): 5'-AACCAATGTATCGTGACTGCTCTATCCTAACAGATATGCCAAAAGCAGAGACGCCCGTTA[C>A]CAGGCAAAGGAGGTGTGCAGGCACGCCCACAGGTTGTCATCACTTGTCAGCGATGTCAGC-3'

ClinVar aggregate classification (germline): Pathogenic/Likely pathogenic. Review status: criteria provided, multiple submitters, no conflicts (2 of 4 stars). 13 submissions from 13 submitters: Pathogenic (11); Likely pathogenic (1). 1 of the submissions does not count toward it. Last evaluated 2026-01-25.

Conditions:
17p11.2 microduplication syndrome (PTLS). Also called: CHROMOSOME 17p11.2 DUPLICATION SYNDROME; Potocki-Lupski syndrome; Duplication 17p11.2 syndrome; Potocki-Lupski syndrome (dup(17)(p11.2p11.2)). Identifiers: Orphanet 1713, MedGen C2931246, MONDO:0012574, OMIM 610883.
Nonpapillary renal cell carcinoma. Identifiers: Orphanet 422526, MedGen CN074294, MONDO:0007763, OMIM 144700.
Birt-Hogg-Dube syndrome. Also called: Birt Hogg Dubé syndrome. Identifiers: Orphanet 122, MedGen C0346010, MONDO:0800444.
Carcinoma of colon (CRC). Also called: Colonic carcinoma; Colon carcinoma. Identifiers: MedGen C0699790, MONDO:0002032.
Familial spontaneous pneumothorax (PSP). Identifiers: Orphanet 2903, MedGen C1868193, MONDO:0008259, OMIM 173600.
FLCN-related disorders.
Hereditary cancer-predisposing syndrome. Also called: Neoplastic Syndromes, Hereditary; Hereditary Cancer Syndrome; Tumor predisposition; Hereditary neoplastic syndrome. Identifiers: Orphanet 140162, MedGen C0027672, MeSH D009386, MONDO:0015356.

Allele frequency attached by ClinVar (database versions not stated): gnomAD 0.00001; TOPMed 0.00001; gnomAD exomes 0.00002; ExAC 0.00003.
gnomAD v4.1: 12 of 1,614,078 alleles (0.00074%); highest among the groups gnomAD compares: Non-Finnish European, 0.001%; no homozygotes.

Submissions (13):

Labcorp Genetics (formerly Invitae), Labcorp
Classification: Pathogenic for Birt-Hogg-Dube syndrome. Last evaluated: 2026-01-25. Review status: criteria provided, single submitter. Criteria: Invitae Variant Classification Sherloc (09022015). Collection method: clinical testing. Allele origin: germline.
Comment: This sequence change affects a donor splice site in intron 7 of the FLCN gene. RNA analysis indicates that disruption of this splice site induces altered splicing and may result in an absent or altered protein product. This variant is present in population databases (rs758175953, gnomAD 0.004%). Disruption of this splice site has been observed in individuals with Birt–Hogg–Dubé syndrome (PMID: 18234728, 21937013, 23050938). This variant is also known as IVS7+1 G>T. ClinVar contains an entry for this variant (Variation ID: 231274). Studies have shown that disruption of this splice site results in activation of a cryptic splice site, and produces a non-functional protein and/or introduces a premature termination codon (internal data). For these reasons, this variant has been classified as Pathogenic.

Center for Genomic Medicine, Rigshospitalet, Copenhagen University Hospital
Classification: Pathogenic. Last evaluated: 2025-03-04. Review status: criteria provided, single submitter. Criteria: ACMG Guidelines, 2015. Collection method: clinical testing. Allele origin: germline.

Blueprint Genetics
Classification: Pathogenic for FLCN-related disorders. Last evaluated: 2024-11-01. Review status: criteria provided, single submitter. Criteria: ACMG Guidelines, 2015. Collection method: clinical testing. Allele origin: germline. Affected: yes. Observed: 4 variant alleles.

Mayo Clinic Laboratories, Mayo Clinic
Classification: Pathogenic. Last evaluated: 2023-11-03. Review status: criteria provided, single submitter. Criteria: ACMG Guidelines, 2015. Collection method: clinical testing. Allele origin: germline.
Comment: PP1_strong, PP4, PS4_moderate, PVS1

Clinical Genetics Laboratory, Skane University Hospital Lund
Classification: Pathogenic. Last evaluated: 2023-10-06. Review status: criteria provided, single submitter. Criteria: ACMG Guidelines, 2015. Collection method: clinical testing. Allele origin: germline. Affected: yes.

Ambry Genetics
Classification: Pathogenic for Hereditary cancer-predisposing syndrome. Last evaluated: 2023-08-07. Review status: criteria provided, single submitter. Criteria: Ambry Variant Classification Scheme 2023. Collection method: clinical testing. Allele origin: germline.
Comment: The c.779+1G>T intronic pathogenic mutation results from a G to T substitution one nucleotide after coding exon 4 of the FLCN gene. This mutation has been reported in multiple individuals/families with Birt-Hogg-Dube syndrome (Toro JR et al. J. Med. Genet. 2008 Jun; 45(6):321-31; Ambry internal data). In silico splice site analysis predicts that this alteration will weaken the native splice donor site and will result in the creation or strengthening of a novel splice donor site. Alterations that disrupt the canonical splice site are expected to cause aberrant splicing, resulting in an abnormal protein or a transcript that is subject to nonsense-mediated mRNA decay. Based on the supporting evidence, this alteration is interpreted as a disease-causing mutation.

GeneDx
Classification: Pathogenic. Last evaluated: 2023-07-06. Review status: criteria provided, single submitter. Criteria: GeneDx Variant Classification Process June 2021. Collection method: clinical testing. Allele origin: germline. Affected: yes.
Comment: Canonical splice site variant predicted to result in a null allele in a gene for which loss of function is a known mechanism of disease; Not observed at significant frequency in large population cohorts (gnomAD); This variant is associated with the following publications: (PMID: 25525159, 18234728, 21937013, 19802896, 29357828, 33726816, 23050938, 35176117)

Myriad Genetics, Inc.
Classification: Pathogenic for Birt-Hogg-Dube syndrome 1. Last evaluated: 2023-05-31. Review status: criteria provided, single submitter. Criteria: Myriad Autosomal Dominant, Autosomal Recessive and X-Linked Classification Criteria (2023). Collection method: clinical testing. Allele origin: unknown.
Comment: This variant is considered pathogenic. This variant occurs within a consensus splice junction and is predicted to result in abnormal mRNA splicing of either an out-of-frame exon or an in-frame exon necessary for protein stability and/or normal function. This variant has been reported in multiple individuals with clinical features of gene-specific disease [PMID: 35176117, 18234728, 23050938].

Quest Diagnostics Nichols Institute San Juan Capistrano
Classification: Pathogenic. Last evaluated: 2023-03-08. Review status: criteria provided, single submitter. Criteria: Quest Diagnostics criteria. Collection method: clinical testing. Allele origin: unknown.
Comment: This variant disrupts a canonical splice-donor site and interferes with normal FLCN mRNA splicing. The frequency of this variant in the general population, 0.000039 (5/129096 chromosomes), is consistent with pathogenicity. In the published literature, the variant has been reported in individuals/families with Birt-Hogg-Dube (BHD) syndrome (PMIDs: 18234728 (2008), 21937013 (2012), 23050938 (2012), 35176117 (2022)). Based on the available information, this variant is classified as pathogenic.

Fulgent Genetics
Classification: Likely pathogenic for Colorectal cancer; Birt-Hogg-Dube syndrome 1; Nonpapillary renal cell carcinoma; Familial spontaneous pneumothorax; 17p11.2 microduplication syndrome. Last evaluated: 2018-10-31. Review status: criteria provided, single submitter. Criteria: ACMG Guidelines, 2015. Collection method: clinical testing. Allele origin: unknown.

ARUP Laboratories, Molecular Genetics and Genomics, ARUP Laboratories
Classification: Pathogenic. Last evaluated: 2017-01-13. Review status: criteria provided, single submitter. Criteria: ARUP Molecular Germline Variant Investigation Process. Collection method: clinical testing. Allele origin: germline.

Genomic Diagnostic Laboratory, Division of Genomic Diagnostics, Children's Hospital of Philadelphia
Classification: Pathogenic for Birt-Hogg-Dube Syndrome. Last evaluated: 2016-07-18. Review status: criteria provided, single submitter. Criteria: DGD Variant Analysis Guidelines. Collection method: clinical testing. Allele origin: germline. Affected: yes. Observed: 2 variant alleles.
Comment: Clinical Testing

Division of Respiratory Medicine of Juntendo University, Juntendo University Faculty of Medicine and Graduate School of Medicine
Classification: Pathogenic for Birt-Hogg-Dube syndrome 1. Last evaluated: 2023-07-01. Review status: no assertion criteria provided. Collection method: clinical testing. Allele origin: germline. Affected: yes. Not counted in ClinVar's aggregate classification.

Literature cited by the submitters: PubMed 18234728 (cited by 5 submitters); PubMed 21937013 (cited by Labcorp Genetics (formerly Invitae), Labcorp and Quest Diagnostics Nichols Institute San Juan Capistrano); PubMed 23050938 (cited by 4 submitters); PubMed 35176117 (cited by 4 submitters); PubMed 25525159 (cited by Mayo Clinic Laboratories, Mayo Clinic and Quest Diagnostics Nichols Institute San Juan Capistrano); PubMed 33726816 (cited by Quest Diagnostics Nichols Institute San Juan Capistrano).